The following is an entry in ClinVar:

NM_152296.5(ATP1A3):c.58C>G (p.Arg20Gly)

Gene: ATP1A3 (ATPase Na+/K+ transporting subunit alpha 3; minus strand). Cytogenetic location: 19q13.2.
Variant type: single nucleotide variant.
Coding change: c.58C>G on transcript NM_152296.5 (MANE Select); coding-DNA position 58, C replaced by G.
Protein change: p.Arg20Gly; replaces arginine 20 with glycine.
Molecular consequence: missense variant.
Genome position (GRCh38, 1-based): chr19:41,988,511, G>C on the plus strand (C>G on the coding strand, the complement: ATP1A3 is on the minus strand). VCF-style: chr19-41988511-G-C. GRCh37 (hg19) VCF-style: chr19-42492663-G-C.
Other names: c.91C>G, p.Arg31Gly (NM_001256213.2); c.97C>G, p.Arg33Gly (NM_001256214.2); short protein forms R33G, R31G, R20G.
Identifiers: ClinVar variation 3708986 (VCV003708986.3).

ClinVar aggregate classification (germline): Uncertain significance. Review status: criteria provided, multiple submitters, no conflicts (2 of 4 stars). 2 submissions from 2 submitters: Uncertain significance (2). Last evaluated 2024-06-07.

Conditions:
Dystonia 12 (DYT12). Also called: DYT-ATP1A3; Rapid-Onset Dystonia-Parkinsonism (RDP). Identifiers: Orphanet 71517, MedGen C1868681, MONDO:0007496, OMIM 128235.

gnomAD v4.1: 15 of 1,614,018 alleles (0.00093%); highest among the groups gnomAD compares: Non-Finnish European, 0.0012%; no homozygotes.

Submissions (2):

Labcorp Genetics (formerly Invitae), Labcorp
Classification: Uncertain significance for Dystonia 12. Last evaluated: 2024-06-07. Review status: criteria provided, single submitter. Criteria: Invitae Variant Classification Sherloc (09022015). Collection method: clinical testing. Allele origin: germline.
Comment: This sequence change replaces arginine, which is basic and polar, with glycine, which is neutral and non-polar, at codon 20 of the ATP1A3 protein (p.Arg20Gly). This variant is present in population databases (rs782461379, gnomAD 0.0009%). This variant has not been reported in the literature in individuals affected with ATP1A3-related conditions. Advanced modeling of protein sequence and biophysical properties (such as structural, functional, and spatial information, amino acid conservation, physicochemical variation, residue mobility, and thermodynamic stability) has been performed at Invitae for this missense variant, however the output from this modeling did not meet the statistical confidence thresholds required to predict the impact of this variant on ATP1A3 protein function. In summary, the available evidence is currently insufficient to determine the role of this variant in disease. Therefore, it has been classified as a Variant of Uncertain Significance.

Blueprint Genetics
Classification: Uncertain significance. Last evaluated: 2022-10-10. Review status: criteria provided, single submitter. Criteria: ACMG Guidelines, 2015. Collection method: clinical testing. Allele origin: germline.